The following is an entry in ClinVar:

ClinVar aggregate classification (germline): Likely benign (1 of 4 stars; one submission).

Allele frequency attached by ClinVar (database versions not stated): TOPMed 0.00002; gnomAD 0.00005; ESP Exome Variant Server 0.00008; gnomAD exomes 0.00009; ExAC 0.00020.

Submission:

CeGaT Center for Human Genetics Tuebingen
Classification: Likely benign. Last evaluated: 2022-11-01. Review status: criteria provided, single submitter. Criteria: CeGaT Center For Human Genetics Tuebingen Variant Classification Criteria Version 2. Collection method: clinical testing. Allele origin: germline. Affected: yes. Observed: 1 variant allele.
Comment: ZDHHC8: BP4, BP7

NM_013373.4(ZDHHC8):c.2055C>T (p.Tyr685=)

Gene: ZDHHC8 (zDHHC palmitoyltransferase 8; plus strand). Cytogenetic location: 22q11.21.
Variant type: single nucleotide variant.
Coding change: c.2055C>T on transcript NM_013373.4 (MANE Select); coding-DNA position 2055, C replaced by T.
Protein change: p.Tyr685=; no amino-acid change (tyrosine 685 retained).
Molecular consequence: synonymous variant.
Genome position (GRCh38, 1-based): chr22:20,143,685, C>T. VCF-style: chr22-20143685-C-T. GRCh37 (hg19) VCF-style: chr22-20131208-C-T.
Other names: c.2055C>T, p.Tyr685= (NM_001185024.2).
Identifiers: ClinVar variation 2652883 (VCV002652883.24), dbSNP rs377108983, ClinGen allele CA10109094.
Genomic context (GRCh38, chr22:20,143,685, plus strand): 5'-CAGGTCACCTGCACGCCAGGGCCTGCCCTCCCCGCCCGGCACTCCCCACTCACCATCCTA[C>T]GCGGGCCCCAAAGCTGTCGCCTTCATCCACACGGACCTCCCAGAGCCACCGCCCTCGCTG-3'
Protein context (NP_037505.1, residues 675-695): SPPGTPHSPS[Tyr685=]AGPKAVAFIH